The following is an entry in ClinVar:

NM_000875.5(IGF1R):c.3723-4G>A

Gene: IGF1R (insulin like growth factor 1 receptor; plus strand). Cytogenetic location: 15q26.3.
Variant type: single nucleotide variant.
Coding change: c.3723-4G>A on transcript NM_000875.5 (MANE Select); 4 bases into the intron before coding-DNA position 3723, G replaced by A.
Molecular consequence: intron variant.
Genome position (GRCh38, 1-based): chr15:98,957,057, G>A. VCF-style: chr15-98957057-G-A. GRCh37 (hg19) VCF-style: chr15-99500286-G-A.
Other names: c.3720-4G>A (NM_001291858.2).
Identifiers: ClinVar variation 732801 (VCV000732801.21), dbSNP rs185740950, ClinGen allele CA7752781.

ClinVar aggregate classification (germline): Benign/Likely benign. Review status: criteria provided, multiple submitters, no conflicts (2 of 4 stars). 4 submissions from 4 submitters: Benign (1); Likely benign (3). Last evaluated 2025-12-15.

Conditions:
Growth delay due to insulin-like growth factor I resistance. Also called: Insulin-Like Growth Factor I Resistance; Somatomedin end-organ insensitivity to; Somatomedin-c resistance to; IGF-1 resistance; IGF-I RESISTANCE. Identifiers: Orphanet 73273, MedGen C1849157, MONDO:0010038, OMIM 270450.

Allele frequency attached by ClinVar (database versions not stated): gnomAD 0.00017 and 0.00023; gnomAD exomes 0.00018 and 0.00070; TOPMed 0.00028; ExAC 0.00063; 1000 Genomes Project 0.00140; 1000 Genomes Project 30x 0.00141.
gnomAD v4.1: 292 of 1,614,122 alleles (0.018%); highest among the groups gnomAD compares: East Asian, 0.62%; 3 homozygotes.

Submissions (4):

Labcorp Genetics (formerly Invitae), Labcorp
Classification: Benign. Last evaluated: 2025-12-15. Review status: criteria provided, single submitter. Criteria: Invitae Variant Classification Sherloc (09022015). Collection method: clinical testing. Allele origin: germline.

CeGaT Center for Human Genetics Tuebingen
Classification: Likely benign. Last evaluated: 2025-07-01. Review status: criteria provided, single submitter. Criteria: CeGaT Center For Human Genetics Tuebingen Variant Classification Criteria Version 2. Collection method: clinical testing. Allele origin: germline. Affected: yes. Observed: 1 variant allele.
Comment: IGF1R: BP4

Blueprint Genetics
Classification: Likely benign. Last evaluated: 2024-10-28. Review status: criteria provided, single submitter. Criteria: ACMG Guidelines, 2015. Collection method: clinical testing. Allele origin: germline.

Illumina Laboratory Services, Illumina
Classification: Likely benign for Growth delay due to insulin-like growth factor I resistance. Last evaluated: 2018-01-13. Review status: criteria provided, single submitter. Criteria: ICSL Variant Classification Criteria 13 December 2019. Collection method: clinical testing. Allele origin: germline.
Comment: This variant was observed in the ICSL laboratory as part of a predisposition screen in an ostensibly healthy population. It had not been previously curated by ICSL or reported in the Human Gene Mutation Database (HGMD: prior to June 1st, 2018), and was therefore a candidate for classification through an automated scoring system. Utilizing variant allele frequency, disease prevalence and penetrance estimates, and inheritance mode, an automated score was calculated to assess if this variant is too frequent to cause the disease. Based on the score and internal cut-off values, a variant classified as likely benign is not then subjected to further curation. The score for this variant resulted in a classification of likely benign for this disease.